The following is an entry in ClinVar:

NM_002691.4(POLD1):c.624G>A (p.Pro208=)

Gene: POLD1 (DNA polymerase delta 1, catalytic subunit; plus strand). Cytogenetic location: 19q13.33.
Variant type: single nucleotide variant.
Coding change: c.624G>A on transcript NM_002691.4 (MANE Select); coding-DNA position 624, G replaced by A.
Protein change: p.Pro208=; no amino-acid change (proline 208 retained).
Molecular consequence: synonymous variant. On other transcripts: non-coding transcript variant (1).
Genome position (GRCh38, 1-based): chr19:50,402,239, G>A. VCF-style: chr19-50402239-G-A. GRCh37 (hg19) VCF-style: chr19-50905496-G-A.
Other names: c.624G>A, p.Pro208= (NM_001256849.1, NM_001308632.1).
Identifiers: ClinVar variation 239361 (VCV000239361.24), dbSNP rs78996304, ClinGen allele CA9595839.

ClinVar aggregate classification (germline): Benign/Likely benign. Review status: criteria provided, multiple submitters, no conflicts (2 of 4 stars). 11 submissions from 11 submitters: Benign (6); Likely benign (4). 1 of the submissions does not count toward it. Last evaluated 2026-02-04.

Conditions:
Hereditary cancer-predisposing syndrome. Also called: Hereditary Cancer Syndrome; Neoplastic Syndromes, Hereditary; Hereditary neoplastic syndrome; Tumor predisposition. Identifiers: Orphanet 140162, MedGen C0027672, MeSH D009386, MONDO:0015356.
POLD1-related polyposis and colorectal cancer syndrome (CRCS10). Also called: COLORECTAL CANCER, SUSCEPTIBILITY TO, ON CHROMOSOME 19q; Colorectal cancer 10; Colorectal cancer, susceptibility to, 10. Identifiers: Orphanet 220460, MedGen C2675481, MONDO:0012953, OMIM 612591.
Carcinoma of colon (CRC). Also called: Colonic carcinoma; Colon carcinoma. Identifiers: MedGen C0699790, MONDO:0002032.

Allele frequency attached by ClinVar (database versions not stated): TOPMed 0.00023; gnomAD 0.00025; 1000 Genomes Project 30x 0.00031; ExAC 0.00038; 1000 Genomes Project 0.00040.
gnomAD v4.1: 213 of 1,593,564 alleles (0.013%); highest among the groups gnomAD compares: East Asian, 0.36%; 1 homozygote.

Submissions (11):

Labcorp Genetics (formerly Invitae), Labcorp
Classification: Benign for POLD1-related polyposis and colorectal cancer syndrome. Last evaluated: 2026-02-04. Review status: criteria provided, single submitter. Criteria: Invitae Variant Classification Sherloc (09022015). Collection method: clinical testing. Allele origin: germline.

Center for Genomic Medicine, Rigshospitalet, Copenhagen University Hospital
Classification: Likely benign. Last evaluated: 2025-12-29. Review status: criteria provided, single submitter. Criteria: ACMG Guidelines, 2015. Collection method: clinical testing. Allele origin: germline.

Institute for Biomarker Research, Medical Diagnostic Laboratories, L.L.C.
Classification: Benign for Hereditary cancer-predisposing syndrome. Last evaluated: 2025-01-30. Review status: criteria provided, single submitter. Criteria: ACMG Guidelines, 2015. Collection method: clinical testing. Allele origin: germline.
Comment: The synonymous variant NM_001308632.1(POLD1):c.624G>A (p.Pro208=) has been reported to ClinVar as Benign/Likely benign with a status of (2 stars) criteria provided, multiple submitters, no conflicts (Variation ID 239361 as of 2025-01-02). The p.Pro208= variant is not predicted to disrupt an existing splice site. The p.Pro208= variant results in a substitution of a base that is not predicted conserved by GERP++ and PhyloP. For these reasons, this variant has been classified as Benign.

Blueprint Genetics
Classification: Likely benign. Last evaluated: 2023-11-08. Review status: criteria provided, single submitter. Criteria: ACMG Guidelines, 2015. Collection method: clinical testing. Allele origin: germline.

KCCC/NGS Laboratory, Kuwait Cancer Control Center
Classification: Benign for POLD1-related polyposis and colorectal cancer syndrome. Last evaluated: 2023-07-07. Review status: criteria provided, single submitter. Criteria: ACMG Guidelines, 2015. Collection method: clinical testing. Allele origin: germline. Affected: yes.

Sema4
Classification: Benign for Hereditary cancer-predisposing syndrome. Last evaluated: 2021-03-05. Review status: criteria provided, single submitter. Criteria: Sema4 Curation Guidelines. Collection method: curation. Allele origin: germline.

GeneDx
Classification: Likely benign. Last evaluated: 2018-02-15. Review status: criteria provided, single submitter. Criteria: GeneDx Variant Classification (06012015). Collection method: clinical testing. Allele origin: germline. Affected: yes.
Comment: This variant is considered likely benign or benign based on one or more of the following criteria: it is a conservative change, it occurs at a poorly conserved position in the protein, it is predicted to be benign by multiple in silico algorithms, and/or has population frequency not consistent with disease.

Quest Diagnostics Nichols Institute San Juan Capistrano
Classification: Benign. Last evaluated: 2017-09-04. Review status: criteria provided, single submitter. Criteria: Quest Diagnostics criteria. Collection method: clinical testing. Allele origin: germline.

PreventionGenetics, part of Exact Sciences
Classification: Benign. Last evaluated: 2017-04-17. Review status: criteria provided, single submitter. Criteria: ACMG Guidelines, 2015. Collection method: clinical testing. Allele origin: germline.

Ambry Genetics
Classification: Likely benign for Hereditary cancer-predisposing syndrome. Last evaluated: 2015-08-31. Review status: criteria provided, single submitter. Criteria: Ambry Variant Classification Scheme 2023. Collection method: clinical testing. Allele origin: germline.

Department of Pathology and Laboratory Medicine, Sinai Health System
Classification: Likely benign for Carcinoma of colon. Review status: no assertion criteria provided. Collection method: clinical testing. Allele origin: unknown. Affected: yes. Observed: 1 variant allele. Study: The Canadian Open Genetics Repository (COGR). Not counted in ClinVar's aggregate classification.
Comment: The POLD1 p.Pro208= variant was not identified in the literature. The variant was identified in dbSNP (ID: rs78996304) â€šÃ„ÃºWith Likely benign alleleâ€šÃ„Ã¹ and ClinVar (classified benign by Invitae and Prevention Genetics; and likely benign by GeneDx and Ambry Genetics). The variant was identified in control databases in 88 of 259686 chromosomes at a frequency of 0.0003 increasing the likelihood this could be a low frequency benign variant (Genome Aggregation Database Feb 27, 2017), observed in the following populations: African in 1 of 23782 chromosomes (freq: 0.00004), Other in 1 of 6016 chromosomes (freq: 0.0002), European Non-Finnish in 10 of 118560 chromosomes (freq: 0.00008), East Asian in 70 of 18568 chromosomes (freq: 0.004), European Finnish in 5 of 24690 chromosomes (freq: 0.0002), and South Asian in 1 of 27188 chromosomes (freq: 0.00004) while not observed in the Latino and Ashkenazi Jewish. The p.Pro208= variant is not expected to have clinical significance because it does not result in a change of amino acid and is not located in a known consensus splice site. In addition, in silico or computational prediction software programs (SpliceSiteFinder, MaxEntScan, NNSPLICE, GeneSplicer) do not predict a difference in splicing. In summary, based on the above information the clinical significance of this variant cannot be determined with certainty at this time although we would lean towards a more benign role for this variant. This variant is classified as likely benign.